The following is an entry in ClinVar:

ClinVar aggregate classification (germline): Uncertain significance (1 of 4 stars; one submission).

Conditions:
Early Myoclonic Encephalopathy. Identifiers: MedGen C0270855.

Allele frequency attached by ClinVar (database versions not stated): gnomAD exomes below 0.00001.
gnomAD v4.1: 1 of 1,613,904 alleles (0.000062%); highest among the groups gnomAD compares: Non-Finnish European, 0.000085%; no homozygotes.

Submission:

Labcorp Genetics (formerly Invitae), Labcorp
Classification: Uncertain significance for Early Myoclonic Encephalopathy. Last evaluated: 2025-01-06. Review status: criteria provided, single submitter. Criteria: Invitae Variant Classification Sherloc (09022015). Collection method: clinical testing. Allele origin: germline.
Comment: This sequence change replaces glycine, which is neutral and non-polar, with aspartic acid, which is acidic and polar, at codon 785 of the JMJD1C protein (p.Gly785Asp). This variant is not present in population databases (gnomAD no frequency). This variant has not been reported in the literature in individuals affected with JMJD1C-related conditions. ClinVar contains an entry for this variant (Variation ID: 837990). An algorithm developed to predict the effect of missense changes on protein structure and function (PolyPhen-2) suggests that this variant is likely to be disruptive. In summary, the available evidence is currently insufficient to determine the role of this variant in disease. Therefore, it has been classified as a Variant of Uncertain Significance.

NM_032776.3(JMJD1C):c.2354G>A (p.Gly785Asp)

Gene: JMJD1C (jumonji domain containing 1C; minus strand). Cytogenetic location: 10q21.3.
Variant type: single nucleotide variant.
Coding change: c.2354G>A on transcript NM_032776.3 (MANE Select); coding-DNA position 2354, G replaced by A.
Protein change: p.Gly785Asp; replaces glycine 785 with aspartic acid.
Molecular consequence: missense variant. On other transcripts: non-coding transcript variant (1).
Genome position (GRCh38, 1-based): chr10:63,213,813, C>T on the plus strand (G>A on the coding strand, the complement: JMJD1C is on the minus strand). VCF-style: chr10-63213813-C-T. GRCh37 (hg19) VCF-style: chr10-64973573-C-T.
Other names: c.1808G>A, p.Gly603Asp (NM_001282948.2, NM_001318154.2); c.1490G>A, p.Gly497Asp (NM_001318153.2); c.2240G>A, p.Gly747Asp (NM_001322252.2); c.1697G>A, p.Gly566Asp (NM_001322254.2, NM_001322258.2); short protein forms G497D, G566D, G603D, G747D, G785D.
Identifiers: ClinVar variation 837990 (VCV000837990.9), dbSNP rs1847649569, ClinGen allele CA377045288.